The following is an entry in ClinVar:

ClinVar aggregate classification (germline): Uncertain significance (1 of 4 stars; one submission).

Conditions:
Walker-Warburg congenital muscular dystrophy. Also called: Muscular dystrophy-dystroglycanopathy, type A; Walker-Warburg syndrome. Identifiers: Orphanet 899, MedGen C0265221, MONDO:0000171.

gnomAD v4.1: 1 of 1,491,076 alleles (0.000067%); highest among the groups gnomAD compares: Non-Finnish European, 0.000089%; no homozygotes.

Submission:

Labcorp Genetics (formerly Invitae), Labcorp
Classification: Uncertain significance for Walker-Warburg congenital muscular dystrophy. Last evaluated: 2021-12-02. Review status: criteria provided, single submitter. Criteria: Invitae Variant Classification Sherloc (09022015). Collection method: clinical testing. Allele origin: germline.
Comment: Algorithms developed to predict the effect of missense changes on protein structure and function (SIFT, PolyPhen-2, Align-GVGD) all suggest that this variant is likely to be tolerated. Algorithms developed to predict the effect of sequence changes on RNA splicing suggest that this variant may create or strengthen a splice site. In summary, the available evidence is currently insufficient to determine the role of this variant in disease. Therefore, it has been classified as a Variant of Uncertain Significance. This sequence change replaces alanine, which is neutral and non-polar, with serine, which is neutral and polar, at codon 135 of the FKRP protein (p.Ala135Ser). This variant is not present in population databases (gnomAD no frequency). This variant has not been reported in the literature in individuals affected with FKRP-related conditions. ClinVar contains an entry for this variant (Variation ID: 1026670).

NM_024301.5(FKRP):c.403G>T (p.Ala135Ser)

Gene: FKRP (fukutin related protein; plus strand). Cytogenetic location: 19q13.32.
Variant type: single nucleotide variant.
Coding change: c.403G>T on transcript NM_024301.5 (MANE Select); coding-DNA position 403, G replaced by T.
Protein change: p.Ala135Ser; replaces alanine 135 with serine.
Molecular consequence: missense variant.
Genome position (GRCh38, 1-based): chr19:46,755,853, G>T. VCF-style: chr19-46755853-G-T. GRCh37 (hg19) VCF-style: chr19-47259110-G-T.
Other names: c.403G>T, p.Ala135Ser (NM_001039885.3); short protein forms A135S.
Identifiers: ClinVar variation 1026670 (VCV001026670.8), dbSNP rs748928675, ClinGen allele CA406495256.